The following is an entry in ClinVar:

NM_000059.4(BRCA2):c.9254_9256+11del

Gene: BRCA2 (BRCA2 DNA repair associated; plus strand). Cytogenetic location: 13q13.1.
Variant type: Deletion.
Coding change: c.9254_9256+11del on transcript NM_000059.4 (MANE Select); coding-DNA position 9254 through 11 bases into the intron after coding-DNA position 9256, 14 bases deleted (CAGGTAATGCACAA).
Molecular consequence: splice donor variant.
Genome position (GRCh38, 1-based): chr13:32,380,143-32,380,156, CAGGTAATGCACAA deleted; deleting any 14 consecutive bases within chr13:32,380,141-32,380,156 gives the same sequence; the c. name uses the placement nearest the transcript's 3' end. VCF-style (leftmost placement, unchanged base first): chr13-32380140-AAACAGGTAATGCAC-A. GRCh37 (hg19) VCF-style: chr13-32954277-AAACAGGTAATGCAC-A.
Other names: c.9254_9256+11del14 (NM_000059.3).
Identifiers: ClinVar variation 462518 (VCV000462518.13), dbSNP rs1555288584, ClinGen allele CA658656447.

ClinVar aggregate classification (germline): Likely pathogenic. Review status: criteria provided, multiple submitters, no conflicts (2 of 4 stars). 3 submissions from 3 submitters: Likely pathogenic (2). 1 of the submissions does not count toward it. Last evaluated 2017-02-23.

Conditions:
Hereditary cancer-predisposing syndrome. Also called: Hereditary neoplastic syndrome; Neoplastic Syndromes, Hereditary; Tumor predisposition; Hereditary Cancer Syndrome. Identifiers: Orphanet 140162, MedGen C0027672, MeSH D009386, MONDO:0015356.
Hereditary breast ovarian cancer syndrome. Also called: Hereditary breast and/or ovarian cancer syndrome; BRCA1- and BRCA2-Associated Hereditary Breast and Ovarian Cancer; Hereditary breast and ovarian cancer; Breast and ovarian cancer; Hereditary breast and ovarian cancer syndrome; Hereditary breast and ovarian cancer syndrome (HBOC). Identifiers: Orphanet 145, MedGen C0677776, MeSH D061325, MONDO:0003582. Disease mechanism: loss of function.
Breast-ovarian cancer, familial, susceptibility to, 2 (BROVCA2). Also called: BRCA2 Hereditary Breast and Ovarian Cancer. Identifiers: Orphanet 145, MedGen C2675520, MONDO:0012933, OMIM 612555. Disease mechanism: loss of function.

Submissions (3):

Labcorp Genetics (formerly Invitae), Labcorp
Classification: Likely pathogenic for Hereditary breast ovarian cancer syndrome. Last evaluated: 2017-02-23. Review status: criteria provided, single submitter. Criteria: Invitae Variant Classification Sherloc (09022015). Collection method: clinical testing. Allele origin: germline.
Comment: In summary, donor and acceptor splice site variants are typically loss-of-function (PMID: 16199547), and loss-of-function variants in BRCA2 are known to be pathogenic (PMID: 20104584). However, without additional functional and/or genetic data, this variant has been classified as Likely Pathogenic. This variant has not been reported in the literature in individuals with a BRCA2-related disease. This sequence change affects a donor splice site in intron 24 of the BRCA2 gene. It is expected to disrupt RNA splicing and likely results in an absent or disrupted protein product.

Ambry Genetics
Classification: Likely pathogenic for Hereditary cancer-predisposing syndrome. Last evaluated: 2017-01-16. Review status: criteria provided, single submitter. Criteria: Ambry Variant Classification Scheme 2023. Collection method: clinical testing. Allele origin: germline.
Comment: The c.9254_9256+11del14 intronic variant results from a deletion of a total of 14 nucleotides including the last three nucleotides within coding exon 23 and 11 nucleotides in the intron 23 splice donor site of the BRCA2 gene. Using the BDGP and ESEfinder splice site prediction tools, this alteration is predicted to abolish the native splice donor site; however, direct evidence is unavailable. Alterations that disrupt the canonical splice site are expected to cause aberrant splicing, resulting in an abnormal protein or a transcript that is subject to nonsense-mediated mRNA decay. As such, this alteration is classified as likely pathogenic.

Counsyl
Classification: Likely pathogenic for Breast-ovarian cancer, familial, susceptibility to, 2. Last evaluated: 2016-12-23. Review status: no assertion criteria provided. Collection method: clinical testing. Allele origin: unknown. Not counted in ClinVar's aggregate classification.

Literature cited by the submitters: PubMed 16199547 (cited by Labcorp Genetics (formerly Invitae), Labcorp); PubMed 20104584 (cited by Labcorp Genetics (formerly Invitae), Labcorp).